The following is an entry in ClinVar:

NM_022552.5(DNMT3A):c.640-3791G>A

Gene: DNMT3A (DNA methyltransferase 3 alpha; minus strand). Cytogenetic location: 2p23.3.
Variant type: single nucleotide variant.
Coding change: c.640-3791G>A on transcript NM_022552.5 (MANE Select); 3791 bases into the intron before coding-DNA position 640, G replaced by A.
Molecular consequence: intron variant. On other transcripts: missense variant (1).
Genome position (GRCh38, 1-based): chr2:25,252,043, C>T on the plus strand (G>A on the coding strand, the complement: DNMT3A is on the minus strand). VCF-style: chr2-25252043-C-T. GRCh37 (hg19) VCF-style: chr2-25474912-C-T.
Other names: c.52G>A, p.Gly18Arg (NM_001320893.1); c.640-3791G>A (NM_175629.2); c.4+151G>A (NM_153759.3); c.-31+151G>A (NM_001375819.1); short protein forms G18R.
Identifiers: ClinVar variation 2650727 (VCV002650727.25), dbSNP rs535328729, ClinGen allele CA43709442.

ClinVar aggregate classification (germline): Benign/Likely benign. Review status: criteria provided, multiple submitters, no conflicts (2 of 4 stars). 2 submissions from 2 submitters: Benign (1); Likely benign (1). Last evaluated 2024-08-06.

Allele frequency attached by ClinVar (database versions not stated): gnomAD 0.00349; 1000 Genomes Project 0.00379; 1000 Genomes Project 30x 0.00390; TOPMed 0.00413.
gnomAD v4.1: 802 of 1,028,440 alleles (0.078%); highest among the groups gnomAD compares: African/African-American, 1.3%; 5 homozygotes.

Submissions (2):

Blueprint Genetics
Classification: Likely benign. Last evaluated: 2024-08-06. Review status: criteria provided, single submitter. Criteria: ACMG Guidelines, 2015. Collection method: clinical testing. Allele origin: germline.

CeGaT Center for Human Genetics Tuebingen
Classification: Benign. Last evaluated: 2022-04-01. Review status: criteria provided, single submitter. Criteria: CeGaT Center For Human Genetics Tuebingen Variant Classification Criteria Version 2. Collection method: clinical testing. Allele origin: germline. Affected: yes. Observed: 1 variant allele.
Comment: DNMT3A: BS1, BS2